The following is an entry in ClinVar:

ClinVar aggregate classification (germline): Uncertain significance (1 of 4 stars; one submission).

Conditions:
Immunodeficiency, common variable, 7. Identifiers: Orphanet 1572, Orphanet 696894, MedGen C3542922, MONDO:0013862, OMIM 614699.

Submission:

Labcorp Genetics (formerly Invitae), Labcorp
Classification: Uncertain significance for Immunodeficiency, common variable, 7. Last evaluated: 2019-11-25. Review status: criteria provided, single submitter. Criteria: Invitae Variant Classification Sherloc (09022015). Collection method: clinical testing. Allele origin: germline.
Comment: In summary, the available evidence is currently insufficient to determine the role of this variant in disease. Therefore, it has been classified as a Variant of Uncertain Significance. Algorithms developed to predict the effect of missense changes on protein structure and function are either unavailable or do not agree on the potential impact of this missense change (SIFT: "Tolerated"; PolyPhen-2: "Probably Damaging"; Align-GVGD: "Class C0"). This variant has not been reported in the literature in individuals with CR2-related conditions. This variant is not present in population databases (ExAC no frequency). This sequence change replaces tyrosine with asparagine at codon 799 of the CR2 protein (p.Tyr799Asn). The tyrosine residue is moderately conserved and there is a large physicochemical difference between tyrosine and asparagine.

NM_001006658.3(CR2):c.2395T>A (p.Tyr799Asn)

Gene: CR2 (complement C3d receptor 2; plus strand). Cytogenetic location: 1q32.2.
Variant type: single nucleotide variant.
Coding change: c.2395T>A on transcript NM_001006658.3 (MANE Select); coding-DNA position 2395, T replaced by A.
Protein change: p.Tyr799Asn; replaces tyrosine 799 with asparagine.
Molecular consequence: missense variant.
Genome position (GRCh38, 1-based): chr1:207,474,895, T>A. VCF-style: chr1-207474895-T-A. GRCh37 (hg19) VCF-style: chr1-207648240-T-A.
Other names: c.2218T>A, p.Tyr740Asn (NM_001877.5); short protein forms Y799N, Y740N.
Identifiers: ClinVar variation 840901 (VCV000840901.8), dbSNP rs1658390569, ClinGen allele CA344537645.